The following is an entry in ClinVar:

NM_000136.3(FANCC):c.545C>T (p.Ser182Phe)

Genes: FANCC (FA complementation group C; minus strand), AOPEP (aminopeptidase O (putative); plus strand). Cytogenetic location: 9q22.32.
Variant type: single nucleotide variant.
Coding change: c.545C>T on transcript NM_000136.3 (MANE Select); coding-DNA position 545, C replaced by T.
Protein change: p.Ser182Phe; replaces serine 182 with phenylalanine.
Molecular consequence: missense variant.
Genome position (GRCh38, 1-based): chr9:95,150,064, G>A on the plus strand (C>T on the coding strand, the complement: FANCC is on the minus strand). VCF-style: chr9-95150064-G-A. GRCh37 (hg19) VCF-style: chr9-97912346-G-A.
Other names: c.545C>T, p.Ser182Phe (NM_001243743.2, NM_001243744.2); short protein forms S182F.
Identifiers: ClinVar variation 1328794 (VCV001328794.5), dbSNP rs2135428621, ClinGen allele CA374109829.
Genomic context (GRCh38, chr9:95,150,064, plus strand): 5'-GCCTCCACCAGGGGGTCAACATCTGTCAGGGTAATAAGTGGGACACAAACTCGTGACAGG[G>A]ACGCCACTCGCTCGGGAGCCATTCTATGGAAGAAATAAGAAATAATCACTCAAATCTAAG-3'
Protein context (NP_000127.2, residues 172-192): QRRMAPERVA[Ser182Phe]LSRVCVPLIT

ClinVar aggregate classification (germline): Uncertain significance. Review status: criteria provided, multiple submitters, no conflicts (2 of 4 stars). 2 submissions from 2 submitters: Uncertain significance (2). Last evaluated 2025-04-07.

Conditions:
Hereditary cancer-predisposing syndrome. Also called: Hereditary Cancer Syndrome; Tumor predisposition; Neoplastic Syndromes, Hereditary; Hereditary neoplastic syndrome. Identifiers: Orphanet 140162, MedGen C0027672, MeSH D009386, MONDO:0015356.

Allele frequency attached by ClinVar (database versions not stated): gnomAD exomes below 0.00001.
gnomAD v4.1: 2 of 1,614,114 alleles (0.00012%); highest among the groups gnomAD compares: Admixed American, 0.0017%; no homozygotes.

Submissions (2):

Ambry Genetics
Classification: Uncertain significance for Hereditary cancer-predisposing syndrome. Last evaluated: 2025-04-07. Review status: criteria provided, single submitter. Criteria: Ambry Variant Classification Scheme 2023. Collection method: clinical testing. Allele origin: germline.
Comment: The p.S182F variant (also known as c.545C>T), located in coding exon 6 of the FANCC gene, results from a C to T substitution at nucleotide position 545. The serine at codon 182 is replaced by phenylalanine, an amino acid with highly dissimilar properties. This amino acid position is conserved. In addition, this alteration is predicted to be tolerated by in silico analysis. Since supporting evidence is limited at this time, the clinical significance of this alteration remains unclear.

GeneDx
Classification: Uncertain significance. Last evaluated: 2021-12-15. Review status: criteria provided, single submitter. Criteria: GeneDx Variant Classification Process June 2021. Collection method: clinical testing. Allele origin: germline. Affected: yes.
Comment: Not observed at significant frequency in large population cohorts (Lek et al., 2016); In silico analysis supports that this missense variant has a deleterious effect on protein structure/function; Has not been previously published as pathogenic or benign to our knowledge